The following is an entry in ClinVar:

ClinVar aggregate classification (germline): Likely benign (1 of 4 stars; one submission).

Submission:

Molecular Diagnostic Laboratory for Inherited Cardiovascular Disease, Montreal Heart Institute
Classification: Likely benign. Last evaluated: 2025-04-09. Review status: criteria provided, single submitter. Criteria: ACMG Guidelines, 2015. Collection method: clinical testing. Allele origin: germline. Affected: no.
Comment: BP6

NM_014000.3(VCL):c.1611T>C (p.Tyr537=)

Gene: VCL (vinculin; plus strand). Cytogenetic location: 10q22.2.
Variant type: single nucleotide variant.
Coding change: c.1611T>C on transcript NM_014000.3 (MANE Select); coding-DNA position 1611, T replaced by C.
Protein change: p.Tyr537=; no amino-acid change (tyrosine 537 retained).
Molecular consequence: synonymous variant.
Genome position (GRCh38, 1-based): chr10:74,095,723, T>C. VCF-style: chr10-74095723-T-C. GRCh37 (hg19) VCF-style: chr10-75855481-T-C.
Other names: c.1611T>C, p.Tyr537= (NM_003373.4).
Identifiers: ClinVar variation 3895337 (VCV003895337.1).
Genomic context (GRCh38, chr10:74,095,723, plus strand): 5'-TGCCATCCGGGGGCTTGTGGCCGAAGGGCATCGTCTGGCTAATGTTATGATGGGGCCTTA[T>C]CGGCAAGATCTTCTCGCCAAGTGTGACCGAGTGGACCAGCTGACAGCCCAGCTGGCTGAC-3'
Protein context (NP_054706.1, residues 527-547): HRLANVMMGP[Tyr537=]RQDLLAKCDR